The following is an entry in ClinVar:

NM_001035.3(RYR2):c.875G>A (p.Gly292Glu)

Gene: RYR2 (ryanodine receptor 2; plus strand). Cytogenetic location: 1q43.
Variant type: single nucleotide variant.
Coding change: c.875G>A on transcript NM_001035.3 (MANE Select); coding-DNA position 875, G replaced by A.
Protein change: p.Gly292Glu; replaces glycine 292 with glutamic acid.
Molecular consequence: missense variant.
Genome position (GRCh38, 1-based): chr1:237,423,118, G>A. VCF-style: chr1-237423118-G-A. GRCh37 (hg19) VCF-style: chr1-237586418-G-A.
Other names: short protein forms G292E.
Identifiers: ClinVar variation 4800050 (VCV004800050.1).

ClinVar aggregate classification (germline): Uncertain significance (1 of 4 stars; one submission).

Conditions:
Catecholaminergic polymorphic ventricular tachycardia 1. Also called: VENTRICULAR TACHYCARDIA, STRESS-INDUCED POLYMORPHIC 1; RYR2-Related Catecholaminergic Polymorphic Ventricular Tachycardia; VENTRICULAR TACHYCARDIA, CATECHOLAMINERGIC POLYMORPHIC, 1, WITH OR WITHOUT ATRIAL DYSFUNCTION AND/OR DILATED CARDIOMYOPATHY. Identifiers: Orphanet 3286, MedGen C1631597, MONDO:0011484, OMIM 604772.

Submission:

Labcorp Genetics (formerly Invitae), Labcorp
Classification: Uncertain significance for Catecholaminergic polymorphic ventricular tachycardia 1. Last evaluated: 2025-07-19. Review status: criteria provided, single submitter. Criteria: Invitae Variant Classification Sherloc (09022015). Collection method: clinical testing. Allele origin: germline.
Comment: This sequence change replaces glycine, which is neutral and non-polar, with glutamic acid, which is acidic and polar, at codon 292 of the RYR2 protein (p.Gly292Glu). This variant is not present in population databases (gnomAD no frequency). This variant has not been reported in the literature in individuals affected with RYR2-related conditions. Invitae Evidence Modeling of protein sequence and biophysical properties (such as structural, functional, and spatial information, amino acid conservation, physicochemical variation, residue mobility, and thermodynamic stability) indicates that this missense variant is not expected to disrupt RYR2 protein function with a negative predictive value of 95%. In summary, the available evidence is currently insufficient to determine the role of this variant in disease. Therefore, it has been classified as a Variant of Uncertain Significance.